The following is an entry in ClinVar:

NM_004304.5(ALK):c.4073+93G>A

Gene: ALK (ALK receptor tyrosine kinase; minus strand). Cytogenetic location: 2p23.2.
Variant type: single nucleotide variant.
Coding change: c.4073+93G>A on transcript NM_004304.5 (MANE Select); 93 bases into the intron after coding-DNA position 4073, G replaced by A.
Molecular consequence: intron variant.
Genome position (GRCh38, 1-based): chr2:29,197,449, C>T on the plus strand (G>A on the coding strand, the complement: ALK is on the minus strand). VCF-style: chr2-29197449-C-T. GRCh37 (hg19) VCF-style: chr2-29420315-C-T.
Other names: c.869+93G>A (NM_001353765.2).
Identifiers: ClinVar variation 676883 (VCV000676883.2), dbSNP rs3738870, ClinGen allele CA11247816.

ClinVar aggregate classification (germline): Benign. Review status: criteria provided, multiple submitters, no conflicts (2 of 4 stars). 2 submissions from 2 submitters: Benign (2). Last evaluated 2018-06-14.

Allele frequency attached by ClinVar (database versions not stated): gnomAD 0.25522 and 0.26661; gnomAD exomes 0.26518; TOPMed 0.27536; 1000 Genomes Project 30x 0.38663; 1000 Genomes Project 0.39397.
gnomAD v4.1: 418,575 of 1,575,638 alleles (27%); highest among the groups gnomAD compares: East Asian, 73%; 66,081 homozygotes.

Submissions (2):

GeneDx
Classification: Benign. Last evaluated: 2018-06-14. Review status: criteria provided, single submitter. Criteria: GeneDx Variant Classification (06012015). Collection method: clinical testing. Allele origin: germline. Affected: yes.
Comment: This variant is considered likely benign or benign based on one or more of the following criteria: it is a conservative change, it occurs at a poorly conserved position in the protein, it is predicted to be benign by multiple in silico algorithms, and/or has population frequency not consistent with disease.

Breakthrough Genomics
Classification: Benign. Review status: criteria provided, single submitter. Criteria: ACMG Guidelines, 2015. Collection method: not provided. Allele origin: germline. Inheritance: Unknown mechanism. Affected: yes.